The following is an entry in ClinVar:

NM_000021.4(PSEN1):c.352T>G (p.Phe118Val)

Gene: PSEN1 (presenilin 1; plus strand). Cytogenetic location: 14q24.2.
Variant type: single nucleotide variant.
Coding change: c.352T>G on transcript NM_000021.4 (MANE Select); coding-DNA position 352, T replaced by G.
Protein change: p.Phe118Val; replaces phenylalanine 118 with valine.
Molecular consequence: missense variant.
Genome position (GRCh38, 1-based): chr14:73,173,579, T>G. VCF-style: chr14-73173579-T-G. GRCh37 (hg19) VCF-style: chr14-73640287-T-G.
Other names: c.340T>G, p.Phe114Val (NM_007318.3); short protein forms F114V, F118V.
Identifiers: ClinVar variation 2094397 (VCV002094397.4), dbSNP rs2503075363, ClinGen allele CA390304689.

ClinVar aggregate classification (germline): Uncertain significance (1 of 4 stars; one submission).

Conditions:
Alzheimer disease 3 (AD3). Also called: ALZHEIMER DISEASE, FAMILIAL, 3. Identifiers: Orphanet 1020, MedGen C1843013, MONDO:0011913, OMIM 607822.
Acne inversa, familial, 3 (ACNINV3). Identifiers: MedGen C3151038, MONDO:0013398, OMIM 613737.
Pick disease. Also called: PICK DISEASE OF BRAIN; DEMENTIA WITH LOBAR ATROPHY AND NEURONAL CYTOPLASMIC INCLUSIONS; Pick Disease of the Brain; Pick's disease; LOBAR ATROPHY OF BRAIN. Identifiers: Orphanet 282, MedGen C0236642, MONDO:0008243, OMIM 172700.
Frontotemporal dementia (FTD1). Also called: FRONTOTEMPORAL LOBAR DEGENERATION WITH TAU INCLUSIONS; FTLD WITH TAU INCLUSIONS; Frontotemporal lobe dementia (FLDEM); FRONTOTEMPORAL DEMENTIA WITH PARKINSONISM; FRONTOTEMPORAL LOBE DEMENTIA; Dementia, frontotemporal, with or without parkinsonism. Identifiers: Orphanet 282, MedGen C0338451, MONDO:0017276, OMIM 600274, HP:0002145.

Submission:

Labcorp Genetics (formerly Invitae), Labcorp
Classification: Uncertain significance for Alzheimer disease 3; Pick disease; Acne inversa, familial, 3; Frontotemporal dementia. Last evaluated: 2022-09-20. Review status: criteria provided, single submitter. Criteria: Invitae Variant Classification Sherloc (09022015). Collection method: clinical testing. Allele origin: germline.
Comment: This sequence change replaces phenylalanine, which is neutral and non-polar, with valine, which is neutral and non-polar, at codon 118 of the PSEN1 protein (p.Phe118Val). This variant is not present in population databases (gnomAD no frequency). In summary, the available evidence is currently insufficient to determine the role of this variant in disease. Therefore, it has been classified as a Variant of Uncertain Significance. Advanced modeling of protein sequence and biophysical properties (such as structural, functional, and spatial information, amino acid conservation, physicochemical variation, residue mobility, and thermodynamic stability) performed at Invitae indicates that this missense variant is expected to disrupt PSEN1 protein function. This variant has not been reported in the literature in individuals affected with PSEN1-related conditions.